The following is an entry in ClinVar:

NM_005022.4(PFN1):c.132+5T>A

Gene: PFN1 (profilin 1; minus strand). Cytogenetic location: 17p13.2.
Variant type: single nucleotide variant.
Coding change: c.132+5T>A on transcript NM_005022.4 (MANE Select); 5 bases into the intron after coding-DNA position 132, T replaced by A.
Molecular consequence: intron variant.
Genome position (GRCh38, 1-based): chr17:4,948,258, A>T on the plus strand (T>A on the coding strand, the complement: PFN1 is on the minus strand). VCF-style: chr17-4948258-A-T. GRCh37 (hg19) VCF-style: chr17-4851553-A-T.
Other names: c.132+5T>A (NM_005022.3, NM_001375991.1).
Identifiers: ClinVar variation 2907127 (VCV002907127.4), dbSNP rs752550133, ClinGen allele CA624626751.

ClinVar aggregate classification (germline): Conflicting classifications of pathogenicity. Review status: criteria provided, conflicting classifications (1 of 4 stars). 2 submissions from 2 submitters: Uncertain significance (1); Likely benign (1). Last evaluated 2025-08-16.

Conditions:
PFN1-related disorder. Also called: PFN1-related condition.

Submissions (2):

PreventionGenetics, part of Exact Sciences
Classification: Likely benign for PFN1-related condition. Last evaluated: 2025-08-16. Review status: criteria provided, single submitter. Criteria: ACMG Guidelines, 2015. Collection method: clinical testing. Allele origin: germline.
Comment: This variant is classified as likely benign based on ACMG/AMP sequence variant interpretation guidelines (Richards et al. 2015 PMID: 25741868, with internal and published modifications).

Labcorp Genetics (formerly Invitae), Labcorp
Classification: Uncertain significance. Last evaluated: 2023-02-25. Review status: criteria provided, single submitter. Criteria: Invitae Variant Classification Sherloc (09022015). Collection method: clinical testing. Allele origin: germline.
Comment: The frequency data for this variant in the population databases is considered unreliable, as metrics indicate poor data quality at this position in the gnomAD database. This variant has not been reported in the literature in individuals affected with PFN1-related conditions. Variants that disrupt the consensus splice site are a relatively common cause of aberrant splicing (PMID: 17576681, 9536098). Algorithms developed to predict the effect of sequence changes on RNA splicing suggest that this variant is not likely to affect RNA splicing. In summary, the available evidence is currently insufficient to determine the role of this variant in disease. Therefore, it has been classified as a Variant of Uncertain Significance. This sequence change falls in intron 1 of the PFN1 gene. It does not directly change the encoded amino acid sequence of the PFN1 protein. It affects a nucleotide within the consensus splice site.

Literature cited by the submitters: PubMed 17576681 (cited by Labcorp Genetics (formerly Invitae), Labcorp); PubMed 9536098 (cited by Labcorp Genetics (formerly Invitae), Labcorp).